The following is an entry in ClinVar:

NM_000384.3(APOB):c.9121G>C (p.Ala3041Pro)

Gene: APOB (apolipoprotein B; minus strand). Cytogenetic location: 2p24.1.
Variant type: single nucleotide variant.
Coding change: c.9121G>C on transcript NM_000384.3 (MANE Select); coding-DNA position 9121, G replaced by C.
Protein change: p.Ala3041Pro; replaces alanine 3041 with proline.
Molecular consequence: missense variant.
Genome position (GRCh38, 1-based): chr2:21,007,747, C>G on the plus strand (G>C on the coding strand, the complement: APOB is on the minus strand). VCF-style: chr2-21007747-C-G. GRCh37 (hg19) VCF-style: chr2-21230619-C-G.
Other names: short protein forms A3041P.
Identifiers: ClinVar variation 1061858 (VCV001061858.11), dbSNP rs1663185740, ClinGen allele CA345992394.
Genomic context (GRCh38, chr2:21,007,747, plus strand): 5'-GAAAACGAACTTTCAAATTCCCTTCATTGTTTGTGGATGCCGTGATCTCAAATGGCTGGG[C>G]TGAAAAGAAAAGAGAATTTTTCAAAGTTCCAATAACCTTTCCATTTAAATGAGCATCATG-3'
Protein context (NP_000375.3, residues 3031-3051): GTLKNSLFFS[Ala3041Pro]QPFEITASTN

ClinVar aggregate classification (germline): Uncertain significance (1 of 4 stars; one submission).

Conditions:
Familial hypobetalipoproteinemia 1. Also called: Hypobetalipoproteinemia, normotriglyceridemic; Acanthocytosis with hypobetalipoproteinemia; APOB-Related Familial Hypobetalipoproteinemia. Identifiers: MedGen C4551990, MONDO:0014252, OMIM 615558.
Hypercholesterolemia, autosomal dominant, type B (FHCL2). Also called: Familial hypercholesterolemia 2; APOB-Related Familial Hypercholesterolemia, Autosomal Dominant; Familial Hypercholesterolemia Type B; APOLIPOPROTEIN B-100, FAMILIAL DEFECTIVE; APOLIPOPROTEIN B-100, FAMILIAL LIGAND-DEFECTIVE; HYPERCHOLESTEROLEMIA, FAMILIAL, DUE TO LIGAND-DEFECTIVE APOLIPOPROTEIN B. Identifiers: MedGen C1704417, MONDO:0007751, OMIM 144010.

Submission:

Labcorp Genetics (formerly Invitae), Labcorp
Classification: Uncertain significance for Familial hypobetalipoproteinemia 1; Hypercholesterolemia, autosomal dominant, type B. Last evaluated: 2020-10-09. Review status: criteria provided, single submitter. Criteria: Invitae Variant Classification Sherloc (09022015). Collection method: clinical testing. Allele origin: germline.
Comment: In summary, the available evidence is currently insufficient to determine the role of this variant in disease. Therefore, it has been classified as a Variant of Uncertain Significance. Algorithms developed to predict the effect of missense changes on protein structure and function are either unavailable or do not agree on the potential impact of this missense change (SIFT: "Deleterious"; PolyPhen-2: "Probably Damaging"; Align-GVGD: "Class C0"). This variant has not been reported in the literature in individuals with APOB-related conditions. This variant is not present in population databases (ExAC no frequency). This sequence change replaces alanine with proline at codon 3041 of the APOB protein (p.Ala3041Pro). The alanine residue is moderately conserved and there is a small physicochemical difference between alanine and proline.